The following is an entry in ClinVar:

ClinVar aggregate classification (germline): Uncertain significance. Review status: criteria provided, multiple submitters, no conflicts (2 of 4 stars). 2 submissions from 2 submitters: Uncertain significance (2). Last evaluated 2025-11-01.

Conditions:
Dilated cardiomyopathy 1G (CMD1G). Identifiers: Orphanet 154, MedGen C1858763, MONDO:0011400, OMIM 604145.
Autosomal recessive limb-girdle muscular dystrophy type 2J (LGMDR10). Also called: Limb-girdle muscular dystrophy, type 2J; MUSCULAR DYSTROPHY, LIMB-GIRDLE, AUTOSOMAL RECESSIVE 10. Identifiers: Orphanet 140922, MedGen C1837342, MONDO:0012127, OMIM 608807.

gnomAD v4.1: 7 of 1,612,190 alleles (0.00043%); highest among the groups gnomAD compares: South Asian, 0.0055%; no homozygotes.

Submissions (2):

CeGaT Center for Human Genetics Tuebingen
Classification: Uncertain significance. Last evaluated: 2025-11-01. Review status: criteria provided, single submitter. Criteria: CeGaT Center For Human Genetics Tuebingen Variant Classification Criteria Version 2. Collection method: clinical testing. Allele origin: germline. Affected: yes. Observed: 2 variant alleles.
Comment: TTN: PM2

Labcorp Genetics (formerly Invitae), Labcorp
Classification: Uncertain significance for Dilated cardiomyopathy 1G; Autosomal recessive limb-girdle muscular dystrophy type 2J. Last evaluated: 2017-06-13. Review status: criteria provided, single submitter. Criteria: Invitae Variant Classification Sherloc (09022015). Collection method: clinical testing. Allele origin: germline.

NM_001267550.2(TTN):c.26170G>A (p.Asp8724Asn)

Gene: TTN (titin; minus strand). Cytogenetic location: 2q31.2.
Variant type: single nucleotide variant.
Coding change: c.26170G>A on transcript NM_001267550.2 (MANE Select); coding-DNA position 26170, G replaced by A.
Protein change: p.Asp8724Asn; replaces aspartic acid 8724 with asparagine.
Molecular consequence: missense variant. On other transcripts: intron variant (3).
Genome position (GRCh38, 1-based): chr2:178,715,016, C>T on the plus strand (G>A on the coding strand, the complement: TTN is on the minus strand). VCF-style: chr2-178715016-C-T. GRCh37 (hg19) VCF-style: chr2-179579743-C-T.
Other names: c.25219G>A, p.Asp8407Asn (NM_001256850.1); c.22438G>A, p.Asp7480Asn (NM_133378.4); c.13282+23066G>A (NM_003319.4); c.13858+23066G>A (NM_133437.4); c.13657+23066G>A (NM_133432.3); short protein forms D8724N, D8407N, D7480N.
Identifiers: ClinVar variation 466952 (VCV000466952.10), dbSNP rs756034176, ClinGen allele CA349473449.